The following is an entry in ClinVar:

NM_021110.4(COL14A1):c.16C>T (p.Arg6Cys)

Gene: COL14A1 (collagen type XIV alpha 1 chain; plus strand). Cytogenetic location: 8q24.12.
Variant type: single nucleotide variant.
Coding change: c.16C>T on transcript NM_021110.4 (MANE Select); coding-DNA position 16, C replaced by T.
Protein change: p.Arg6Cys; replaces arginine 6 with cysteine.
Molecular consequence: missense variant.
Genome position (GRCh38, 1-based): chr8:120,147,858, C>T. VCF-style: chr8-120147858-C-T. GRCh37 (hg19) VCF-style: chr8-121160097-C-T.
Other names: short protein forms R6C.
Identifiers: ClinVar variation 713104 (VCV000713104.5), dbSNP rs9642848, ClinGen allele CA4858457.

ClinVar aggregate classification (germline): Likely benign. Review status: criteria provided, multiple submitters, no conflicts (2 of 4 stars). 2 submissions from 2 submitters: Likely benign (2). Last evaluated 2018-08-28.

Allele frequency attached by ClinVar (database versions not stated): ESP Exome Variant Server 0.00008; gnomAD exomes 0.00028 and 0.00064; gnomAD 0.00039 and 0.00052; TOPMed 0.00048; ExAC 0.00075; 1000 Genomes Project 30x 0.00156; 1000 Genomes Project 0.00180.
gnomAD v4.1: 507 of 1,613,552 alleles (0.031%); highest among the groups gnomAD compares: East Asian, 0.86%; 3 homozygotes.

Submissions (2):

GeneDx
Classification: Likely benign. Last evaluated: 2018-08-28. Review status: criteria provided, single submitter. Criteria: GeneDx Variant Classification Process June 2021. Collection method: clinical testing. Allele origin: germline. Affected: yes.
Comment: See Variant Classification Assertion Criteria.

Labcorp Genetics (formerly Invitae), Labcorp
Classification: Likely benign. Last evaluated: 2018-05-18. Review status: criteria provided, single submitter. Criteria: Invitae Variant Classification Sherloc (09022015). Collection method: clinical testing. Allele origin: germline.